The following is an entry in ClinVar:

ClinVar aggregate classification (germline): Likely pathogenic (1 of 4 stars; one submission).

Submission:

GeneDx
Classification: Likely pathogenic. Last evaluated: 2019-09-25. Review status: criteria provided, single submitter. Criteria: GeneDx Variant Classification Process June 2021. Collection method: clinical testing. Allele origin: germline. Affected: yes.
Comment: Has not been previously published as pathogenic or benign to our knowledge; Not observed in large population cohorts (Lek et al., 2016); In silico analysis, which includes protein predictors and evolutionary conservation, supports a deleterious effect

NM_006268.5(DPF2):c.964T>C (p.Trp322Arg)

Gene: DPF2 (double PHD fingers 2; plus strand). Cytogenetic location: 11q13.1.
Variant type: single nucleotide variant.
Coding change: c.964T>C on transcript NM_006268.5 (MANE Select); coding-DNA position 964, T replaced by C.
Protein change: p.Trp322Arg; replaces tryptophan 322 with arginine.
Molecular consequence: missense variant.
Genome position (GRCh38, 1-based): chr11:65,346,306, T>C. VCF-style: chr11-65346306-T-C. GRCh37 (hg19) VCF-style: chr11-65113777-T-C.
Other names: c.1006T>C, p.Trp336Arg (NM_001330308.2); short protein forms W322R, W336R.
Identifiers: ClinVar variation 1198043 (VCV001198043.2), dbSNP rs1354918928, ClinGen allele CA381231723.